The following is an entry in ClinVar:

ClinVar aggregate classification (germline): Likely benign. Review status: criteria provided, multiple submitters, no conflicts (2 of 4 stars). 2 submissions from 2 submitters: Likely benign (2). Last evaluated 2026-08-19.

Conditions:
PDE6B-related disorder. Also called: PDE6B-related disease; PDE6B-related condition; PDE6B-related disorders.

gnomAD v4.1: 13 of 1,613,416 alleles (0.00081%); highest among the groups gnomAD compares: Non-Finnish European, 0.00093%; no homozygotes.

Submissions (2):

PreventionGenetics, part of Exact Sciences
Classification: Likely benign for PDE6B-related condition. Last evaluated: 2026-08-19. Review status: criteria provided, single submitter. Criteria: ACMG Guidelines, 2015. Collection method: clinical testing. Allele origin: germline.
Comment: This variant is classified as likely benign based on ACMG/AMP sequence variant interpretation guidelines (Richards et al. 2015 PMID: 25741868, with internal and published modifications).

Blueprint Genetics
Classification: Likely benign. Last evaluated: 2024-10-08. Review status: criteria provided, single submitter. Criteria: ACMG Guidelines, 2015. Collection method: clinical testing. Allele origin: germline.

NM_000283.4(PDE6B):c.99C>T (p.Ala33=)

Gene: PDE6B (phosphodiesterase 6B; plus strand). Cytogenetic location: 4p16.3.
Variant type: single nucleotide variant.
Coding change: c.99C>T on transcript NM_000283.4 (MANE Select); coding-DNA position 99, C replaced by T.
Protein change: p.Ala33=; no amino-acid change (alanine 33 retained).
Molecular consequence: synonymous variant.
Genome position (GRCh38, 1-based): chr4:625,725, C>T. VCF-style: chr4-625725-C-T. GRCh37 (hg19) VCF-style: chr4-619514-C-T.
Other names: c.99C>T, p.Ala33= (NM_001145291.2, NM_001440547.1, NM_001440548.1); c.99C>T (NM_000283.3).
Identifiers: ClinVar variation 4965820 (VCV004965820.2).